The following is an entry in ClinVar:

NM_007194.4(CHEK2):c.241G>A (p.Glu81Lys)

Gene: CHEK2 (checkpoint kinase 2; minus strand). Cytogenetic location: 22q12.1.
Variant type: single nucleotide variant.
Coding change: c.241G>A on transcript NM_007194.4 (MANE Select); coding-DNA position 241, G replaced by A.
Protein change: p.Glu81Lys; replaces glutamic acid 81 with lysine.
Molecular consequence: missense variant.
Genome position (GRCh38, 1-based): chr22:28,734,481, C>T on the plus strand (G>A on the coding strand, the complement: CHEK2 is on the minus strand). VCF-style: chr22-28734481-C-T. GRCh37 (hg19) VCF-style: chr22-29130469-C-T.
Other names: c.241G>A, p.Glu81Lys (NM_001005735.3, NM_001349956.3, NM_145862.3); c.-537G>A (NM_001257387.3); short protein forms E81K.
Identifiers: ClinVar variation 481736 (VCV000481736.5), dbSNP rs1555932335, ClinGen allele CA411090623.

ClinVar aggregate classification (germline): Uncertain significance (1 of 4 stars; one submission).

Conditions:
Hereditary cancer-predisposing syndrome. Also called: Neoplastic Syndromes, Hereditary; Tumor predisposition; Hereditary Cancer Syndrome; Hereditary neoplastic syndrome. Identifiers: Orphanet 140162, MedGen C0027672, MeSH D009386, MONDO:0015356.

Submission:

Ambry Genetics
Classification: Uncertain significance for Hereditary cancer-predisposing syndrome. Last evaluated: 2017-06-12. Review status: criteria provided, single submitter. Criteria: Ambry Variant Classification Scheme 2023. Collection method: clinical testing. Allele origin: germline.
Comment: The p.E81K variant (also known as c.241G>A), located in coding exon 1 of the CHEK2 gene, results from a G to A substitution at nucleotide position 241. The glutamic acid at codon 81 is replaced by lysine, an amino acid with similar properties. This amino acid position is highly conserved in available vertebrate species. In addition, the in silico prediction for this alteration is inconclusive. Since supporting evidence is limited at this time, the clinical significance of this alteration remains unclear.